The following is an entry in ClinVar:

ClinVar aggregate classification (germline): Uncertain significance (1 of 4 stars; one submission).

Conditions:
Capillary malformation-arteriovenous malformation syndrome. Also called: Capillary malformation-arteriovenous malformation. Identifiers: Orphanet 137667, MedGen C1842180, MONDO:0012016.

Submission:

Labcorp Genetics (formerly Invitae), Labcorp
Classification: Uncertain significance for Capillary malformation-arteriovenous malformation syndrome. Last evaluated: 2024-12-04. Review status: criteria provided, single submitter. Criteria: Invitae Variant Classification Sherloc (09022015). Collection method: clinical testing. Allele origin: germline.
Comment: This sequence change replaces alanine, which is neutral and non-polar, with valine, which is neutral and non-polar, at codon 25 of the RASA1 protein (p.Ala25Val). This variant is not present in population databases (gnomAD no frequency). This variant has not been reported in the literature in individuals affected with RASA1-related conditions. An algorithm developed to predict the effect of missense changes on protein structure and function (PolyPhen-2) suggests that this variant is likely to be disruptive. In summary, the available evidence is currently insufficient to determine the role of this variant in disease. Therefore, it has been classified as a Variant of Uncertain Significance.

NM_002890.3(RASA1):c.74C>T (p.Ala25Val)

Gene: RASA1 (RAS p21 protein activator 1; plus strand). Cytogenetic location: 5q14.3.
Variant type: single nucleotide variant.
Coding change: c.74C>T on transcript NM_002890.3 (MANE Select); coding-DNA position 74, C replaced by T.
Protein change: p.Ala25Val; replaces alanine 25 with valine.
Molecular consequence: missense variant.
Genome position (GRCh38, 1-based): chr5:87,268,525, C>T. VCF-style: chr5-87268525-C-T. GRCh37 (hg19) VCF-style: chr5-86564342-C-T.
Other names: short protein forms A25V.
Identifiers: ClinVar variation 3619606 (VCV003619606.2).